The following is an entry in ClinVar:

ClinVar aggregate classification (germline): Uncertain significance (1 of 4 stars; one submission).

Allele frequency attached by ClinVar (database versions not stated): gnomAD 0.00001; gnomAD exomes 0.00001; ExAC 0.00002; TOPMed 0.00004; ESP Exome Variant Server 0.00008.
gnomAD v4.1: 13 of 1,595,736 alleles (0.00081%); highest among the groups gnomAD compares: African/African-American, 0.004%; no homozygotes.

Submission:

Labcorp Genetics (formerly Invitae), Labcorp
Classification: Uncertain significance. Last evaluated: 2021-03-09. Review status: criteria provided, single submitter. Criteria: Invitae Variant Classification Sherloc (09022015). Collection method: clinical testing. Allele origin: germline.
Comment: Algorithms developed to predict the effect of missense changes on protein structure and function output the following: SIFT: "Tolerated"; PolyPhen-2: "Not Available"; Align-GVGD: "Class C0". The leucine amino acid residue is found in multiple mammalian species, suggesting that this missense change does not adversely affect protein function. These predictions have not been confirmed by published functional studies and their clinical significance is uncertain. In summary, the available evidence is currently insufficient to determine the role of this variant in disease. Therefore, it has been classified as a Variant of Uncertain Significance. This variant has not been reported in the literature in individuals with DVL1-related conditions. This variant is present in population databases (rs377189378, ExAC 0.01%). This sequence change replaces serine with leucine at codon 579 of the DVL1 protein (p.Ser579Leu). The serine residue is moderately conserved and there is a large physicochemical difference between serine and leucine.

NM_001330311.2(DVL1):c.1811C>T (p.Ser604Leu)

Gene: DVL1 (dishevelled segment polarity protein 1; minus strand). Cytogenetic location: 1p36.33.
Variant type: single nucleotide variant.
Coding change: c.1811C>T on transcript NM_001330311.2 (MANE Select); coding-DNA position 1811, C replaced by T.
Protein change: p.Ser604Leu; replaces serine 604 with leucine.
Molecular consequence: missense variant.
Genome position (GRCh38, 1-based): chr1:1,336,419, G>A on the plus strand (C>T on the coding strand, the complement: DVL1 is on the minus strand). VCF-style: chr1-1336419-G-A. GRCh37 (hg19) VCF-style: chr1-1271799-G-A.
Other names: c.1736C>T, p.Ser579Leu (NM_004421.3); short protein forms S604L, S579L.
Identifiers: ClinVar variation 1479795 (VCV001479795.8), dbSNP rs377189378, ClinGen allele CA519825.